The following is an entry in ClinVar:

NM_170707.4(LMNA):c.1039G>A (p.Glu347Lys)

Gene: LMNA (lamin A/C; plus strand). Cytogenetic location: 1q22.
Variant type: single nucleotide variant.
Coding change: c.1039G>A on transcript NM_170707.4 (MANE Select); coding-DNA position 1039, G replaced by A.
Protein change: p.Glu347Lys; replaces glutamic acid 347 with lysine.
Molecular consequence: missense variant.
Genome position (GRCh38, 1-based): chr1:156,136,003, G>A. VCF-style: chr1-156136003-G-A. GRCh37 (hg19) VCF-style: chr1-156105794-G-A.
Other names: p.E347K:GAG>AAG; c.703G>A, p.Glu235Lys (NM_001257374.3); c.796G>A, p.Glu266Lys (NM_001282624.2); c.1039G>A, p.Glu347Lys (NM_001282625.2, NM_001282626.2, NM_005572.4 and 1 more transcripts); short protein forms E347K, E266K, E235K.
Identifiers: ClinVar variation 66760 (VCV000066760.17), dbSNP rs267607548, ClinGen allele CA016456.
Genomic context (GRCh38, chr1:156,136,003, plus strand): 5'-CTGGCCCGTGAGCGGGACACCAGCCGGCGGCTGCTGGCGGAAAAGGAGCGGGAGATGGCC[G>A]AGATGCGGGCAAGGATGCAGCAGCAGCTGGACGAGTACCAGGAGCTTCTGGACATCAAGC-3'
Protein context (NP_733821.1, residues 337-357): LLAEKEREMA[Glu347Lys]MRARMQQQLD

ClinVar aggregate classification (germline): Conflicting classifications of pathogenicity. Review status: criteria provided, conflicting classifications (1 of 4 stars). 5 submissions from 5 submitters: Likely pathogenic (1); Uncertain significance (3). 1 of the submissions does not count toward it. Last evaluated 2026-03-16.

Conditions:
Cardiovascular phenotype. Identifiers: MedGen CN230736.
Charcot-Marie-Tooth disease type 2. Also called: Charcot-Marie-Tooth type 2. Identifiers: Orphanet 64746, MedGen C0270914, MONDO:0018993.
Primary dilated cardiomyopathy (DCM). Also called: Dilated Cardiomyopathy. Identifiers: Orphanet 217604, MedGen C0007193, MeSH D002311, MONDO:0005021, HP:0001644. Inheritance: Various modes of inheritance.

Allele frequency attached by ClinVar (database versions not stated): gnomAD exomes below 0.00001.
gnomAD v4.1: 4 of 1,614,154 alleles (0.00025%); highest among the groups gnomAD compares: South Asian, 0.0011%; no homozygotes.

Submissions (5):

Ambry Genetics
Classification: Uncertain significance for Cardiovascular phenotype. Last evaluated: 2026-03-16. Review status: criteria provided, single submitter. Criteria: Ambry Variant Classification Scheme 2023. Collection method: clinical testing. Allele origin: germline.
Comment: The c.1039G>A (p.E347K) alteration is located in exon 6 (coding exon 6) of the LMNA gene. This alteration results from a G to A substitution at nucleotide position 1039, causing the glutamic acid (E) at amino acid position 347 to be replaced by a lysine (K). This variant was not reported in population-based cohorts in the Genome Aggregation Database (gnomAD). This variant has ben detected in individuals reported to have features consistent with dilated cardiomyopathy and/or cardiac conduction disease (Vytopil, 2003; Cabanelas, 2015; Park, 2020; Stroeks, 2025; Ambry internal data). This amino acid position is well conserved in available vertebrate species. This alteration is predicted to be deleterious by in silico analysis. Based on insufficient or conflicting evidence, the clinical significance of this alteration remains unclear.

Labcorp Genetics (formerly Invitae), Labcorp
Classification: Likely pathogenic for Charcot-Marie-Tooth disease type 2. Last evaluated: 2026-01-28. Review status: criteria provided, single submitter. Criteria: Invitae Variant Classification Sherloc (09022015). Collection method: clinical testing. Allele origin: germline.
Comment: This sequence change replaces glutamic acid, which is acidic and polar, with lysine, which is basic and polar, at codon 347 of the LMNA protein (p.Glu347Lys). This variant is not present in population databases (gnomAD no frequency). This missense change has been observed in individuals with arrhythmogenic right ventricular dysplasia and dilated cardiomyopathy and/or conduction defects (PMID: 14684700, 17377071, 22326558, 25656816, 31383942). ClinVar contains an entry for this variant (Variation ID: 66760). Invitae Evidence Modeling of protein sequence and biophysical properties (such as structural, functional, and spatial information, amino acid conservation, physicochemical variation, residue mobility, and thermodynamic stability) indicates that this missense variant is expected to disrupt LMNA protein function with a positive predictive value of 95%. Experimental studies have shown that this missense change does not substantially affect LMNA function (PMID: 34862408). In summary, the currently available evidence indicates that the variant is pathogenic, but additional data are needed to prove that conclusively. Therefore, this variant has been classified as Likely Pathogenic.

GeneDx
Classification: Uncertain significance. Last evaluated: 2025-06-04. Review status: criteria provided, single submitter. Criteria: GeneDx Variant Classification Process June 2021. Collection method: clinical testing. Allele origin: germline. Affected: yes.
Comment: Has been reported in an individual with DCM and arrhythmia who also harbored another LMNA variant (PMID: 17377071); Reported in one individual with cardiac conduction defects (CCD) as well as in several other similarly affected family members (PMID: 14684700); Not observed at significant frequency in large population cohorts (gnomAD); Crystalization studies predict this variant impacts protein stability and may result in incorrect assembly of intermediate filaments (PMID: 22266370, 23142632); In silico analysis supports that this missense variant has a deleterious effect on protein structure/function; This variant is associated with the following publications: (PMID: 25656816, 23142632, 22326558, 34862408, 10939567, 31383942, 22266370, 17377071, 14684700, 39058449, 31476771)

All of Us Research Program, National Institutes of Health
Classification: Uncertain significance for Primary dilated cardiomyopathy. Last evaluated: 2023-12-01. Review status: criteria provided, single submitter. Criteria: ACMG Guidelines, 2015. Collection method: clinical testing. Allele origin: germline. Inheritance: Autosomal dominant inheritance. Observed: 1 variant allele, 1 heterozygote.
Comment: This study involves interpretation of variants in research participants for the purpose of population health screening. Participant phenotype was not available at the time of variant classification. Additional details can be found in publication PMID: 35346344, PMCID: PMC8962531

Epithelial Biology;  Institute of Medical Biology, Singapore
No classification provided. Review status: no classification provided. Collection method: not provided. Allele origin: not provided. Not counted in ClinVar's aggregate classification.

Literature cited by the submitters: PubMed 14684700 (cited by Ambry Genetics and Labcorp Genetics (formerly Invitae), Labcorp); PubMed 25656816 (cited by Ambry Genetics and Labcorp Genetics (formerly Invitae), Labcorp); PubMed 31383942 (cited by Ambry Genetics and Labcorp Genetics (formerly Invitae), Labcorp); PubMed 39425739 (cited by Ambry Genetics); PubMed 17377071 (cited by Labcorp Genetics (formerly Invitae), Labcorp); PubMed 22326558 (cited by Labcorp Genetics (formerly Invitae), Labcorp); PubMed 34862408 (cited by Labcorp Genetics (formerly Invitae), Labcorp).